The following is an entry in ClinVar:

NM_033305.3(VPS13A):c.*222G>A

Gene: VPS13A (vacuolar protein sorting 13 homolog A; plus strand). Cytogenetic location: 9q21.2.
Variant type: single nucleotide variant.
Coding change: c.*222G>A on transcript NM_033305.3 (MANE Select); 222 bases downstream of the stop codon, G replaced by A.
Molecular consequence: 3 prime UTR variant.
Genome position (GRCh38, 1-based): chr9:77,416,228, G>A. VCF-style: chr9-77416228-G-A. GRCh37 (hg19) VCF-style: chr9-80031144-G-A.
Other names: NC_000009.11:g.80031144G>A; c.*222G>A (NM_001018037.2).
Identifiers: ClinVar variation 367437 (VCV000367437.8), dbSNP rs12343797, ClinGen allele CA10627611.

ClinVar aggregate classification (germline): Benign. Review status: criteria provided, multiple submitters, no conflicts (2 of 4 stars). 3 submissions from 3 submitters: Benign (3). Last evaluated 2018-07-17.

Conditions:
VPS13A-related neurodegenerative disease. Also called: LEVINE-CRITCHLEY SYNDROME; VPS13A Disease; Choreaacanthocytosis; ACANTHOCYTOSIS WITH NEUROLOGIC DISORDER; Choreoacanthocytosis; Chorea-acanthocytosis. Identifiers: Orphanet 2388, MedGen C0393576, MONDO:0008695, OMIM 200150.

Allele frequency attached by ClinVar (database versions not stated): 1000 Genomes Project 30x 0.16349; 1000 Genomes Project 0.16534; TOPMed 0.19168; gnomAD 0.19644 and 0.19772.
gnomAD v4.1: 91,947 of 470,936 alleles (20%); highest among the groups gnomAD compares: Middle Eastern, 23%; 9,709 homozygotes.

Submissions (11):

GeneDx
Classification: Benign. Last evaluated: 2018-07-17. Review status: criteria provided, single submitter. Criteria: GeneDx Variant Classification Process June 2021. Collection method: clinical testing. Allele origin: germline. Affected: yes.

Illumina Laboratory Services, Illumina
Classification: Benign for VPS13A-related neurodegenerative disease. Last evaluated: 2018-01-12. Review status: criteria provided, single submitter. Criteria: ICSL Variant Classification Criteria 13 December 2019. Collection method: clinical testing. Allele origin: germline.
Comment: This variant was observed in the ICSL laboratory as part of a predisposition screen in an ostensibly healthy population. It had not been previously curated by ICSL or reported in the Human Gene Mutation Database (HGMD: prior to June 1st, 2018), and was therefore a candidate for classification through an automated scoring system. Utilizing variant allele frequency, disease prevalence and penetrance estimates, and inheritance mode, an automated score was calculated to assess if this variant is too frequent to cause the disease. Based on the score and internal cut-off values, a variant classified as benign is not then subjected to further curation. The score for this variant resulted in a classification of benign for this disease.

Breakthrough Genomics
Classification: Benign. Review status: criteria provided, single submitter. Criteria: ACMG Guidelines, 2015. Collection method: not provided. Allele origin: germline. Inheritance: Autosomal recessive inheritance. Affected: yes.

Dr. Peter K. Rogan Lab, Western University
No classification provided (evidence only). Condition: Thyroid cancer, nonmedullary, 1. Review status: no classification provided. Collection method: in vitro. Allele origin: not applicable. Functional consequence: retained intron. Not counted in ClinVar's aggregate classification.

Dr. Peter K. Rogan Lab, Western University
No classification provided (evidence only). Condition: Nonpapillary renal cell carcinoma. Review status: no classification provided. Collection method: in vitro. Allele origin: not applicable. Functional consequence: retained intron. Not counted in ClinVar's aggregate classification.

Dr. Peter K. Rogan Lab, Western University
No classification provided (evidence only). Condition: Gastric cancer. Review status: no classification provided. Collection method: in vitro. Allele origin: not applicable. Functional consequence: retained intron. Not counted in ClinVar's aggregate classification.

Dr. Peter K. Rogan Lab, Western University
No classification provided (evidence only). Condition: Gastric cancer. Review status: no classification provided. Collection method: in vitro. Allele origin: not applicable. Functional consequence: retained intron. Not counted in ClinVar's aggregate classification.

Dr. Peter K. Rogan Lab, Western University
No classification provided (evidence only). Condition: Gastric cancer. Review status: no classification provided. Collection method: in vitro. Allele origin: not applicable. Functional consequence: retained intron. Not counted in ClinVar's aggregate classification.

Dr. Peter K. Rogan Lab, Western University
No classification provided (evidence only). Condition: Gastric cancer. Review status: no classification provided. Collection method: in vitro. Allele origin: not applicable. Functional consequence: retained intron. Not counted in ClinVar's aggregate classification.

Dr. Peter K. Rogan Lab, Western University
No classification provided (evidence only). Condition: Uterine carcinosarcoma. Review status: no classification provided. Collection method: in vitro. Allele origin: not applicable. Functional consequence: retained intron. Not counted in ClinVar's aggregate classification.

Dr. Peter K. Rogan Lab, Western University
No classification provided (evidence only). Condition: Malignant tumor of esophagus. Review status: no classification provided. Collection method: in vitro. Allele origin: not applicable. Functional consequence: retained intron. Not counted in ClinVar's aggregate classification.